The following is an entry in ClinVar:

ClinVar aggregate classification (germline): Uncertain significance (1 of 4 stars; one submission).

gnomAD v4.1: 6 of 1,613,844 alleles (0.00037%); no homozygotes.

Submission:

Labcorp Genetics (formerly Invitae), Labcorp
Classification: Uncertain significance. Last evaluated: 2021-12-21. Review status: criteria provided, single submitter. Criteria: Invitae Variant Classification Sherloc (09022015). Collection method: clinical testing. Allele origin: germline.
Comment: This sequence change replaces phenylalanine, which is neutral and non-polar, with leucine, which is neutral and non-polar, at codon 843 of the PCARE protein (p.Phe843Leu). This variant is present in population databases (rs530658239, gnomAD 0.03%). This variant has not been reported in the literature in individuals affected with PCARE-related conditions. Algorithms developed to predict the effect of missense changes on protein structure and function are either unavailable or do not agree on the potential impact of this missense change (SIFT: "Deleterious"; PolyPhen-2: "Probably Damaging"; Align-GVGD: "Class C15"). In summary, the available evidence is currently insufficient to determine the role of this variant in disease. Therefore, it has been classified as a Variant of Uncertain Significance.

NM_001029883.3(PCARE):c.2529C>A (p.Phe843Leu)

Gene: PCARE (photoreceptor cilium actin regulator; minus strand). Cytogenetic location: 2p23.2.
Variant type: single nucleotide variant.
Coding change: c.2529C>A on transcript NM_001029883.3 (MANE Select); coding-DNA position 2529, C replaced by A.
Protein change: p.Phe843Leu; replaces phenylalanine 843 with leucine.
Molecular consequence: missense variant.
Genome position (GRCh38, 1-based): chr2:29,071,733, G>T on the plus strand (C>A on the coding strand, the complement: PCARE is on the minus strand). VCF-style: chr2-29071733-G-T. GRCh37 (hg19) VCF-style: chr2-29294599-G-T.
Other names: short protein forms F843L.
Identifiers: ClinVar variation 2047754 (VCV002047754.1), dbSNP rs530658239, ClinGen allele CA1592181.